The following is an entry in ClinVar:

ClinVar aggregate classification (germline): Likely benign. Review status: criteria provided, multiple submitters, no conflicts (2 of 4 stars). 2 submissions from 2 submitters: Likely benign (2). Last evaluated 2025-12-23.

Conditions:
Creatine transporter deficiency (CCDS1). Also called: Creatine Transporter (CRTR) Deficiency; Mental retardation , X-linked with seizures, short stature and midface hypoplasia; Mental retardation , X-linked, with creatine transport deficiency; X-linked creatine transporter deficiency; X-linked creatine deficiency syndrome; SLC6A8-Related Creatine Transporter Deficiency. Identifiers: Orphanet 52503, MedGen C1845862, MONDO:0010305, OMIM 300352.

Allele frequency attached by ClinVar (database versions not stated): gnomAD 0.00001; TOPMed 0.00002.
gnomAD v4.1: 25 of 1,208,627 alleles (0.0021%); highest among the groups gnomAD compares: Non-Finnish European, 0.0028%; no homozygotes.

Submissions (2):

Labcorp Genetics (formerly Invitae), Labcorp
Classification: Likely benign for Creatine transporter deficiency. Last evaluated: 2025-12-23. Review status: criteria provided, single submitter. Criteria: Invitae Variant Classification Sherloc (09022015). Collection method: clinical testing. Allele origin: germline.

GeneDx
Classification: Likely benign. Last evaluated: 2017-03-31. Review status: criteria provided, single submitter. Criteria: GeneDx Variant Classification (06012015). Collection method: clinical testing. Allele origin: germline. Affected: yes.
Comment: This variant is considered likely benign or benign based on one or more of the following criteria: it is a conservative change, it occurs at a poorly conserved position in the protein, it is predicted to be benign by multiple in silico algorithms, and/or has population frequency not consistent with disease.

NM_005629.4(SLC6A8):c.913-13G>T

Gene: SLC6A8 (solute carrier family 6 member 8; plus strand). Cytogenetic location: Xq28.
Variant type: single nucleotide variant.
Coding change: c.913-13G>T on transcript NM_005629.4 (MANE Select); 13 bases into the intron before coding-DNA position 913, G replaced by T.
Molecular consequence: intron variant.
Genome position (GRCh38, 1-based): chrX:153,693,250, G>T. VCF-style: chrX-153693250-G-T. GRCh37 (hg19) VCF-style: chrX-152958705-G-T.
Other names: c.913-13G>T (NM_001142805.2); c.568-13G>T (NM_001142806.1).
Identifiers: ClinVar variation 508411 (VCV000508411.5), dbSNP rs1176497805, ClinGen allele CA645288017.